The following is an entry in ClinVar:

NM_206933.4(USH2A):c.6371C>A (p.Thr2124Lys)

Gene: USH2A (usherin; minus strand). Cytogenetic location: 1q41.
Variant type: single nucleotide variant.
Coding change: c.6371C>A on transcript NM_206933.4 (MANE Select); coding-DNA position 6371, C replaced by A.
Protein change: p.Thr2124Lys; replaces threonine 2124 with lysine.
Molecular consequence: missense variant.
Genome position (GRCh38, 1-based): chr1:216,000,517, G>T on the plus strand (C>A on the coding strand, the complement: USH2A is on the minus strand). VCF-style: chr1-216000517-G-T. GRCh37 (hg19) VCF-style: chr1-216173859-G-T.
Other names: short protein forms T2124K.
Identifiers: ClinVar variation 1053623 (VCV001053623.9), dbSNP rs1668244656, ClinGen allele CA344861889.

ClinVar aggregate classification (germline): Uncertain significance (1 of 4 stars; one submission).

Submission:

Labcorp Genetics (formerly Invitae), Labcorp
Classification: Uncertain significance. Last evaluated: 2022-11-01. Review status: criteria provided, single submitter. Criteria: Invitae Variant Classification Sherloc (09022015). Collection method: clinical testing. Allele origin: germline.
Comment: In summary, the available evidence is currently insufficient to determine the role of this variant in disease. Therefore, it has been classified as a Variant of Uncertain Significance. Advanced modeling of protein sequence and biophysical properties (such as structural, functional, and spatial information, amino acid conservation, physicochemical variation, residue mobility, and thermodynamic stability) performed at Invitae indicates that this missense variant is expected to disrupt USH2A protein function. ClinVar contains an entry for this variant (Variation ID: 1053623). This variant has not been reported in the literature in individuals affected with USH2A-related conditions. This variant is not present in population databases (gnomAD no frequency). This sequence change replaces threonine, which is neutral and polar, with lysine, which is basic and polar, at codon 2124 of the USH2A protein (p.Thr2124Lys).